The following is an entry in ClinVar:

NM_001267550.2(TTN):c.76168C>T (p.Pro25390Ser)

Genes: TTN (titin; minus strand), TTN-AS1 (TTN antisense RNA 1; plus strand). Cytogenetic location: 2q31.2.
Variant type: single nucleotide variant.
Coding change: c.76168C>T on transcript NM_001267550.2 (MANE Select); coding-DNA position 76168, C replaced by T.
Protein change: p.Pro25390Ser; replaces proline 25390 with serine.
Molecular consequence: missense variant.
Genome position (GRCh38, 1-based): chr2:178,569,964, G>A on the plus strand (C>T on the coding strand, the complement: TTN is on the minus strand). VCF-style: chr2-178569964-G-A. GRCh37 (hg19) VCF-style: chr2-179434691-G-A.
Other names: c.71245C>T, p.Pro23749Ser (NM_001256850.1); c.48973C>T, p.Pro16325Ser (NM_003319.4); c.68464C>T, p.Pro22822Ser (NM_133378.4); c.49348C>T, p.Pro16450Ser (NM_133432.3); c.49549C>T, p.Pro16517Ser (NM_133437.4); short protein forms P25390S, P16325S, P16450S, P16517S, P23749S, P22822S.
Identifiers: ClinVar variation 467484 (VCV000467484.12), dbSNP rs878948198, ClinGen allele CA60994328.

ClinVar aggregate classification (germline): Uncertain significance. Review status: criteria provided, multiple submitters, no conflicts (2 of 4 stars). 4 submissions from 4 submitters: Uncertain significance (4). Last evaluated 2026-05-07.

Conditions:
Autosomal recessive limb-girdle muscular dystrophy type 2J (LGMDR10). Also called: Limb-girdle muscular dystrophy, type 2J; MUSCULAR DYSTROPHY, LIMB-GIRDLE, AUTOSOMAL RECESSIVE 10. Identifiers: Orphanet 140922, MedGen C1837342, MONDO:0012127, OMIM 608807.
Dilated cardiomyopathy 1G (CMD1G). Identifiers: Orphanet 154, MedGen C1858763, MONDO:0011400, OMIM 604145.
TTN-related disorder. Also called: TTN-related condition; TTN-related disease; TTN-related disorders.

Allele frequency attached by ClinVar (database versions not stated): gnomAD 0.00001; gnomAD exomes 0.00001; TOPMed 0.00002.
gnomAD v4.1: 82 of 1,612,018 alleles (0.0051%); highest among the groups gnomAD compares: Non-Finnish European, 0.0067%; no homozygotes.

Submissions (4):

PreventionGenetics, part of Exact Sciences
Classification: Uncertain significance for TTN-related condition. Last evaluated: 2026-05-07. Review status: criteria provided, single submitter. Criteria: ACMG Guidelines, 2015. Collection method: clinical testing. Allele origin: germline.
Comment: The TTN c.76168C>T variant is predicted to result in the amino acid substitution p.Pro25390Ser. To our knowledge, this variant has not been reported in the literature. This variant is reported in 0.0029% of alleles in individuals of Latino descent in gnomAD. At this time, the clinical significance of this variant is uncertain due to the absence of conclusive functional and genetic evidence.

Revvity Omics, Revvity
Classification: Uncertain significance. Last evaluated: 2022-06-15. Review status: criteria provided, single submitter. Criteria: ACMG Guidelines, 2015. Collection method: clinical testing. Allele origin: germline.

Mayo Clinic Laboratories, Mayo Clinic
Classification: Uncertain significance. Last evaluated: 2021-01-08. Review status: criteria provided, single submitter. Criteria: ACMG Guidelines, 2015. Collection method: clinical testing. Allele origin: germline. Observed: 1 variant allele.

Labcorp Genetics (formerly Invitae), Labcorp
Classification: Uncertain significance for Dilated cardiomyopathy 1G; Autosomal recessive limb-girdle muscular dystrophy type 2J. Last evaluated: 2017-06-19. Review status: criteria provided, single submitter. Criteria: Invitae Variant Classification Sherloc (09022015). Collection method: clinical testing. Allele origin: germline.